The following is an entry in ClinVar:

NM_001145358.2(SIN3A):c.3392G>A (p.Arg1131Gln)

Gene: SIN3A (SIN3 transcription regulator family member A; minus strand). Cytogenetic location: 15q24.2.
Variant type: single nucleotide variant.
Coding change: c.3392G>A on transcript NM_001145358.2 (MANE Select); coding-DNA position 3392, G replaced by A.
Protein change: p.Arg1131Gln; replaces arginine 1131 with glutamine.
Molecular consequence: missense variant.
Genome position (GRCh38, 1-based): chr15:75,375,864, C>T on the plus strand (G>A on the coding strand, the complement: SIN3A is on the minus strand). VCF-style: chr15-75375864-C-T. GRCh37 (hg19) VCF-style: chr15-75668205-C-T.
Other names: c.3392G>A, p.Arg1131Gln (NM_001145357.2, NM_015477.3); short protein forms R1131Q.
Identifiers: ClinVar variation 3630500 (VCV003630500.2).

ClinVar aggregate classification (germline): Uncertain significance (1 of 4 stars; one submission).

gnomAD v4.1: 2 of 1,613,974 alleles (0.00012%); highest among the groups gnomAD compares: South Asian, 0.0011%; no homozygotes.

Submission:

Labcorp Genetics (formerly Invitae), Labcorp
Classification: Uncertain significance. Last evaluated: 2024-03-25. Review status: criteria provided, single submitter. Criteria: Invitae Variant Classification Sherloc (09022015). Collection method: clinical testing. Allele origin: germline.
Comment: This sequence change replaces arginine, which is basic and polar, with glutamine, which is neutral and polar, at codon 1131 of the SIN3A protein (p.Arg1131Gln). This variant is present in population databases (no rsID available, gnomAD 0.003%). This variant has not been reported in the literature in individuals affected with SIN3A-related conditions. Advanced modeling of protein sequence and biophysical properties (such as structural, functional, and spatial information, amino acid conservation, physicochemical variation, residue mobility, and thermodynamic stability) performed at Invitae indicates that this missense variant is not expected to disrupt SIN3A protein function with a negative predictive value of 80%. In summary, the available evidence is currently insufficient to determine the role of this variant in disease. Therefore, it has been classified as a Variant of Uncertain Significance.